The following is an entry in ClinVar:

NM_152296.5(ATP1A3):c.1910G>A (p.Arg637Gln)

Gene: ATP1A3 (ATPase Na+/K+ transporting subunit alpha 3; minus strand). Cytogenetic location: 19q13.2.
Variant type: single nucleotide variant.
Coding change: c.1910G>A on transcript NM_152296.5 (MANE Select); coding-DNA position 1910, G replaced by A.
Protein change: p.Arg637Gln; replaces arginine 637 with glutamine.
Molecular consequence: missense variant.
Genome position (GRCh38, 1-based): chr19:41,977,969, C>T on the plus strand (G>A on the coding strand, the complement: ATP1A3 is on the minus strand). VCF-style: chr19-41977969-C-T. GRCh37 (hg19) VCF-style: chr19-42482121-C-T.
Other names: c.1943G>A, p.Arg648Gln (NM_001256213.2); c.1949G>A, p.Arg650Gln (NM_001256214.2); short protein forms R637Q, R648Q, R650Q.
Identifiers: ClinVar variation 536466 (VCV000536466.9), dbSNP rs1555861967, ClinGen allele CA406044922.

ClinVar aggregate classification (germline): Uncertain significance. Review status: criteria provided, multiple submitters, no conflicts (2 of 4 stars). 2 submissions from 2 submitters: Uncertain significance (2). Last evaluated 2025-10-19.

Conditions:
Dystonia 12 (DYT12). Also called: Rapid-Onset Dystonia-Parkinsonism (RDP); DYT-ATP1A3. Identifiers: Orphanet 71517, MedGen C1868681, MONDO:0007496, OMIM 128235.

Allele frequency attached by ClinVar (database versions not stated): gnomAD exomes below 0.00001; TOPMed 0.00001; gnomAD 0.00002.
gnomAD v4.1: 7 of 1,614,120 alleles (0.00043%); highest among the groups gnomAD compares: African/African-American, 0.0067%; no homozygotes.

Submissions (2):

Labcorp Genetics (formerly Invitae), Labcorp
Classification: Uncertain significance for Dystonia 12. Last evaluated: 2025-10-19. Review status: criteria provided, single submitter. Criteria: Invitae Variant Classification Sherloc (09022015). Collection method: clinical testing. Allele origin: germline.
Comment: This sequence change replaces arginine, which is basic and polar, with glutamine, which is neutral and polar, at codon 637 of the ATP1A3 protein (p.Arg637Gln). This variant is present in population databases (no rsID available, gnomAD 0.004%). This variant has not been reported in the literature in individuals affected with ATP1A3-related conditions. ClinVar contains an entry for this variant (Variation ID: 536466). Invitae Evidence Modeling of protein sequence and biophysical properties (such as structural, functional, and spatial information, amino acid conservation, physicochemical variation, residue mobility, and thermodynamic stability) indicates that this missense variant is expected to disrupt ATP1A3 protein function with a positive predictive value of 80%. In summary, the available evidence is currently insufficient to determine the role of this variant in disease. Therefore, it has been classified as a Variant of Uncertain Significance.

AiLife Diagnostics
Classification: Uncertain significance. Last evaluated: 2021-07-21. Review status: criteria provided, single submitter. Criteria: ACMG Guidelines, 2015. Collection method: clinical testing. Allele origin: germline. Affected: yes. Observed: 1 variant allele.